The following is an entry in ClinVar:

NM_000444.6(PHEX):c.2181_2191del (p.Phe727_Gln728insTer)

Genes: PHEX (phosphate regulating endopeptidase X-linked; plus strand), PTCHD1-AS (PTCHD1 and PHEX antisense RNA; minus strand). Cytogenetic location: Xp22.11.
Variant type: Deletion.
Coding change: c.2181_2191del on transcript NM_000444.6 (MANE Select); coding-DNA positions 2181 to 2191, 11 bases deleted (CCAGAAAGCTT).
Protein change: p.Phe727_Gln728insTer.
Molecular consequence: frameshift variant. On other transcripts: 3 prime UTR variant (1).
Genome position (GRCh38, 1-based): chrX:22,247,884-22,247,894, CCAGAAAGCTT deleted; deleting any 11 consecutive bases within chrX:22,247,882-22,247,894 gives the same sequence; the c. name uses the placement nearest the transcript's 3' end. VCF-style (leftmost placement, unchanged base first): chrX-22247881-ATTCCAGAAAGC-A. GRCh37 (hg19) VCF-style: chrX-22265998-ATTCCAGAAAGC-A.
Other names: c.*16_*26del (NM_001282754.2).
Identifiers: ClinVar variation 2809224 (VCV002809224.3), dbSNP rs2518713803, ClinGen allele CA2739268124.
Genomic context (GRCh38, chrX:22,247,881, plus strand): 5'-TGACATATGCTTTGACATATCGTTTTTCAGGGTCAATGGTGCAATTAGTAACTTTGAAGA[ATTCCAGAAAGC>A]TTTTAACTGTCCACCCAATTCCACGATGAACAGAGGCATGGACTCCTGCCGACTCTGGTA-3'

ClinVar aggregate classification (germline): Pathogenic (1 of 4 stars; one submission).

Submission:

Labcorp Genetics (formerly Invitae), Labcorp
Classification: Pathogenic. Last evaluated: 2022-10-21. Review status: criteria provided, single submitter. Criteria: Invitae Variant Classification Sherloc (09022015). Collection method: clinical testing. Allele origin: germline.
Comment: This sequence change creates a premature translational stop signal (p.Gln728*) in the PHEX gene. While this is not anticipated to result in nonsense mediated decay, it is expected to disrupt the last 22 amino acid(s) of the PHEX protein. For these reasons, this variant has been classified as Pathogenic. This variant disrupts a region of the PHEX protein in which other variant(s) (p.Arg747*) have been determined to be pathogenic (PMID: 9199930, 9768674). This suggests that this is a clinically significant region of the protein, and that variants that disrupt it are likely to be disease-causing. This variant has not been reported in the literature in individuals affected with PHEX-related conditions. This variant is not present in population databases (gnomAD no frequency).

Literature cited by the submitters: PubMed 9199930; PubMed 9768674.